The following is an entry in ClinVar:

NM_004655.4(AXIN2):c.926A>G (p.Asp309Gly)

Gene: AXIN2 (axin 2; minus strand). Cytogenetic location: 17q24.1.
Variant type: single nucleotide variant.
Coding change: c.926A>G on transcript NM_004655.4 (MANE Select); coding-DNA position 926, A replaced by G.
Protein change: p.Asp309Gly; replaces aspartic acid 309 with glycine.
Molecular consequence: missense variant.
Genome position (GRCh38, 1-based): chr17:65,549,550, T>C on the plus strand (A>G on the coding strand, the complement: AXIN2 is on the minus strand). VCF-style: chr17-65549550-T-C. GRCh37 (hg19) VCF-style: chr17-63545668-T-C.
Other names: c.926A>G, p.Asp309Gly (NM_001363813.1); short protein forms D309G.
Identifiers: ClinVar variation 4735719 (VCV004735719.1).

ClinVar aggregate classification (germline): Uncertain significance (1 of 4 stars; one submission).

Conditions:
Oligodontia-cancer predisposition syndrome. Also called: TOOTH AGENESIS-COLORECTAL CANCER SYNDROME. Identifiers: Orphanet 300576, MedGen C1837750, MONDO:0012075, OMIM 608615. Disease mechanism: loss of function.

Submission:

Labcorp Genetics (formerly Invitae), Labcorp
Classification: Uncertain significance for Oligodontia-cancer predisposition syndrome. Last evaluated: 2026-01-19. Review status: criteria provided, single submitter. Criteria: Invitae Variant Classification Sherloc (09022015). Collection method: clinical testing. Allele origin: germline.
Comment: This sequence change replaces aspartic acid, which is acidic and polar, with glycine, which is neutral and non-polar, at codon 309 of the AXIN2 protein (p.Asp309Gly). This variant is not present in population databases (gnomAD no frequency). This variant has not been reported in the literature in individuals affected with AXIN2-related conditions. An algorithm developed to predict the effect of missense changes on protein structure and function (PolyPhen-2) suggests that this variant is likely to be disruptive. In summary, the available evidence is currently insufficient to determine the role of this variant in disease. Therefore, it has been classified as a Variant of Uncertain Significance.